The following is an entry in ClinVar:

NM_001386298.1(CIC):c.4152G>C (p.Glu1384Asp)

Gene: CIC (capicua transcriptional repressor; plus strand). Cytogenetic location: 19q13.2.
Variant type: single nucleotide variant.
Coding change: c.4152G>C on transcript NM_001386298.1 (MANE Select); coding-DNA position 4152, G replaced by C.
Protein change: p.Glu1384Asp; replaces glutamic acid 1384 with aspartic acid.
Molecular consequence: missense variant.
Genome position (GRCh38, 1-based): chr19:42,289,912, G>C. VCF-style: chr19-42289912-G-C. GRCh37 (hg19) VCF-style: chr19-42794064-G-C.
Other names: c.4152G>C, p.Glu1384Asp (NM_001304815.2, NM_001379480.1, NM_001379482.1 and 1 more transcripts); c.1425G>C, p.Glu475Asp (NM_001379484.1, NM_001379485.1, NM_015125.5); short protein forms E1384D, E475D.
Identifiers: ClinVar variation 2649986 (VCV002649986.25), dbSNP rs752136581, ClinGen allele CA9471988.
Genomic context (GRCh38, chr19:42,289,912, plus strand): 5'-CGATGGCTTCGGCACCACTGACATTGATCTCAAGTGCAAGGAGCGGGTGACCGACAGCGA[G>C]AGTGGGGACAGCTCTGGGGAGGACCCAGAGGGCAACAAGGTGAGGGCTTGGGTCACGGTG-3'
Protein context (NP_001373227.1, residues 1374-1394): LKCKERVTDS[Glu1384Asp]SGDSSGEDPE

ClinVar aggregate classification (germline): Conflicting classifications of pathogenicity. Review status: criteria provided, conflicting classifications (1 of 4 stars). 2 submissions from 2 submitters: Uncertain significance (1); Likely benign (1). Last evaluated 2022-04-01.

Conditions:
Isolated cerebellar hypoplasia/agenesis (CHEGDD). Also called: Cerebellar hypoplasia/atrophy, epilepsy, and global developmental delay. Identifiers: Orphanet 1398, Orphanet 2246, MedGen C5231391, MONDO:0008939, OMIM 213000.

Allele frequency attached by ClinVar (database versions not stated): ExAC 0.00001.
gnomAD v4.1: 11 of 1,610,308 alleles (0.00068%); highest among the groups gnomAD compares: Middle Eastern, 0.017%; no homozygotes.

Submissions (2):

CeGaT Center for Human Genetics Tuebingen
Classification: Likely benign. Last evaluated: 2022-04-01. Review status: criteria provided, single submitter. Criteria: CeGaT Center For Human Genetics Tuebingen Variant Classification Criteria Version 2. Collection method: clinical testing. Allele origin: germline. Affected: yes. Observed: 1 variant allele.
Comment: CIC: BS2

Cambridge Genomics Laboratory, East Genomic Laboratory Hub, NHS Genomic Medicine Service
Classification: Uncertain significance for Isolated cerebellar hypoplasia/agenesis. Last evaluated: 2019-04-17. Review status: criteria provided, single submitter. Criteria: ACGS Best Practice Guidelines for Variant Classification in Rare Disease 2020. Collection method: clinical testing. Allele origin: germline. Affected: yes. Observed: 1 variant allele.